The following is an entry in ClinVar:

NM_013275.6(ANKRD11):c.7578G>A (p.Leu2526=)

Gene: ANKRD11 (ankyrin repeat domain 11; minus strand). Cytogenetic location: 16q24.3.
Variant type: single nucleotide variant.
Coding change: c.7578G>A on transcript NM_013275.6 (MANE Select); coding-DNA position 7578, G replaced by A.
Protein change: p.Leu2526=; no amino-acid change (leucine 2526 retained).
Molecular consequence: synonymous variant.
Genome position (GRCh38, 1-based): chr16:89,274,949, C>T on the plus strand (G>A on the coding strand, the complement: ANKRD11 is on the minus strand). VCF-style: chr16-89274949-C-T. GRCh37 (hg19) VCF-style: chr16-89341357-C-T.
Other names: c.7578G>A, p.Leu2526= (NM_001256182.2, NM_001256183.2).
Identifiers: ClinVar variation 2188544 (VCV002188544.29), dbSNP rs143679902, ClinGen allele CA8241077.

ClinVar aggregate classification (germline): Likely benign. Review status: criteria provided, multiple submitters, no conflicts (2 of 4 stars). 3 submissions from 3 submitters: Likely benign (3). Last evaluated 2025-04-11.

Conditions:
KBG syndrome (KBGS). Also called: ANKRD11-Related KBG Syndrome. Identifiers: Orphanet 2332, MedGen C0220687, MONDO:0007846, OMIM 148050.

Allele frequency attached by ClinVar (database versions not stated): ExAC 0.00005; ESP Exome Variant Server 0.00008; gnomAD 0.00009; TOPMed 0.00010.
gnomAD v4.1: 301 of 1,613,312 alleles (0.019%); highest among the groups gnomAD compares: Non-Finnish European, 0.025%; no homozygotes.

Submissions (3):

Labcorp Genetics (formerly Invitae), Labcorp
Classification: Likely benign for KBG syndrome. Last evaluated: 2025-04-11. Review status: criteria provided, single submitter. Criteria: Invitae Variant Classification Sherloc (09022015). Collection method: clinical testing. Allele origin: germline.

Blueprint Genetics
Classification: Likely benign. Last evaluated: 2024-09-25. Review status: criteria provided, single submitter. Criteria: ACMG Guidelines, 2015. Collection method: clinical testing. Allele origin: germline.

CeGaT Center for Human Genetics Tuebingen
Classification: Likely benign. Last evaluated: 2022-03-01. Review status: criteria provided, single submitter. Criteria: CeGaT Center For Human Genetics Tuebingen Variant Classification Criteria Version 2. Collection method: clinical testing. Allele origin: germline. Affected: yes. Observed: 1 variant allele.
Comment: ANKRD11: BP4, BP7